The following is an entry in ClinVar:

NM_001111125.3(IQSEC2):c.1247G>T (p.Gly416Val)

Gene: IQSEC2 (IQ motif and Sec7 domain ArfGEF 2; minus strand). Cytogenetic location: Xp11.22.
Variant type: single nucleotide variant.
Coding change: c.1247G>T on transcript NM_001111125.3 (MANE Select); coding-DNA position 1247, G replaced by T.
Protein change: p.Gly416Val; replaces glycine 416 with valine.
Molecular consequence: missense variant.
Genome position (GRCh38, 1-based): chrX:53,254,684, C>A on the plus strand (G>T on the coding strand, the complement: IQSEC2 is on the minus strand). VCF-style: chrX-53254684-C-A. GRCh37 (hg19) VCF-style: chrX-53283866-C-A.
Other names: c.632G>T, p.Gly211Val (NM_015075.2); short protein forms G211V, G416V.
Identifiers: ClinVar variation 1700437 (VCV001700437.2), dbSNP rs2147121696, ClinGen allele CA413169349.
Genomic context (GRCh38, chrX:53,254,684, plus strand): 5'-CAGGAGCCTCCATATGGGAGCCCCCGTTCAAGCCGGTGGCTCCGGGCACCAGCCATGGCA[C>A]CCTCGTCCAGCGAGGCAGGCTTGCCCTCGAAGTACGCGGGGTTCTGTGCCTTCTCATACT-3'
Protein context (NP_001104595.1, residues 406-426): FEGKPASLDE[Gly416Val]AMAGARSHRL

ClinVar aggregate classification (germline): Uncertain significance (1 of 4 stars; one submission).

Submission:

GeneDx
Classification: Uncertain significance. Last evaluated: 2022-02-07. Review status: criteria provided, single submitter. Criteria: GeneDx Variant Classification Process June 2021. Collection method: clinical testing. Allele origin: germline. Affected: yes.
Comment: Not observed at significant frequency in large population cohorts (gnomAD); In silico analysis supports that this missense variant has a deleterious effect on protein structure/function; Has not been previously published as pathogenic or benign to our knowledge